The following is an entry in ClinVar:

NM_001369369.1(FOXN1):c.1585del (p.Leu529fs)

Gene: FOXN1 (forkhead box N1; plus strand). Cytogenetic location: 17q11.2.
Variant type: Deletion.
Coding change: c.1585del on transcript NM_001369369.1 (MANE Select); coding-DNA position 1585, one base deleted (C; older notation c.1585delC).
Protein change: p.Leu529fs; shifts the reading frame from leucine 529.
Molecular consequence: frameshift variant.
Genome position (GRCh38, 1-based): chr17:28,535,156, C deleted; the last of 2 consecutive C bases (chr17:28,535,155-28,535,156); deleting either gives the same sequence. VCF-style (leftmost placement, unchanged base first): chr17-28535154-AC-A. GRCh37 (hg19) VCF-style: chr17-26862172-AC-A.
Other names: NM_001369369.1(FOXN1):c.1585del; p.Leu529fs; c.1585del, p.Leu529fs (NM_003593.3); short protein forms L529fs.
Identifiers: ClinVar variation 626107 (VCV000626107.12), dbSNP rs1161194345, ClinGen allele CA398326766.
Genomic context (GRCh38, chr17:28,535,154, plus strand): 5'-AGCCTTCCCCAGCCAGGACTATGCACGACACCCTGCTGCCAGATGGAGACCTTGGCACTG[AC>A]CTGGATGCCATCAATCCCTCACTCACTGACTTCGACTTCCAGGGTGAGCTGGGGGTGGGA-3'

ClinVar aggregate classification (germline): Likely pathogenic. Review status: reviewed by expert panel (3 of 4 stars). 4 submissions from 3 submitters: Likely pathogenic (1). 3 of the submissions do not count toward it. Last evaluated 2024-07-29.

Conditions:
T-cell immunodeficiency, congenital alopecia, and nail dystrophy. Also called: Congenital alopecia and nail dystrophy associated with severe functional T-cell immunodeficiency; Pignata Guarino syndrome. Identifiers: Orphanet 169095, MedGen C1866426, MONDO:0011132, OMIM 601705.
T-cell lymphopenia, infantile, with or without nail dystrophy, autosomal dominant. Identifiers: Orphanet 676039, MedGen C5394133, MONDO:0032928, OMIM 618806.

Submissions (4):

ClinGen Severe Combined Immunodeficiency Variant Curation Expert Panel, ClinGen
Classification: Likely pathogenic for T-cell immunodeficiency, congenital alopecia, and nail dystrophy. Last evaluated: 2024-07-29. Review status: reviewed by expert panel. Criteria: ClinGen SCID ACMG Specifications FOXN1 V1.0.0. Collection method: curation. Allele origin: germline. Inheritance: Semidominant inheritance.
Comment: The NM_001369369.1(FOXN1):c.1585del (p.Leu529TrpfsTer21) frameshift variant in exon 6 results in a premature stop codon in the final exon (exon 9) at codon 549. It is not predicted to cause NMD but would truncate 15% of the protein, including most of the transactivation domain which is critical to protein function (PVS1_Strong). Functional analysis was performed in a luciferase reporter construct, which was cotransfected into heterologous cells with an expression vector containing mutant or wild-type FOXN1. This variant had 12.5% luciferase activity compared to wild-type, which is below the <50% threshold for PS3_Moderate (PMID: 37419334). The highest MAF in gnomADv4.0 is 0.00002412 (1/41462 alleles) in the African/African-American population which is below the <=0.00002412 threshold for PM2_supporting. It has been reported heterozygous in one patient (P21 of PMID: 31447097) with low CD3 cells, low CD8 cells, and TRECs below state limit (PP4). In summary this variant meets criteria to be classified as likely pathogenic for semidominant T-cell immunodeficiency, congenital alopecia, and nail dystrophy due to FOXN1 deficiency based on the ACMG/AMP criteria applied: PVS1_strong, PS3_moderate, PM2_supporting, and PP4 as specified by the ClinGen SCID VCEP FOXN1 subgroup.

Labcorp Genetics (formerly Invitae), Labcorp
Classification: Uncertain significance for T-cell immunodeficiency, congenital alopecia, and nail dystrophy. Last evaluated: 2025-04-07. Review status: criteria provided, single submitter. Criteria: Invitae Variant Classification Sherloc (09022015). Collection method: clinical testing. Allele origin: germline. Not counted in ClinVar's aggregate classification.
Comment: This sequence change creates a premature translational stop signal (p.Leu529Trpfs*21) in the FOXN1 gene. While this is not anticipated to result in nonsense mediated decay, it is expected to disrupt the last 120 amino acid(s) of the FOXN1 protein. This variant is not present in population databases (gnomAD no frequency). This premature translational stop signal has been observed in individual(s) with T cell lymphopenia (PMID: 31447097). This variant is also known as c.1584_1584delC, c.1584delC, p.D528fs20. ClinVar contains an entry for this variant (Variation ID: 626107). Algorithms developed to predict the effect of variants on gene product structure and function are not available or were not evaluated for this variant. Experimental studies have shown that this premature translational stop signal affects FOXN1 function (PMID: 37419334). In summary, the available evidence is currently insufficient to determine the role of this variant in disease. Therefore, it has been classified as a Variant of Uncertain Significance.

Center for Genomics, Ann and Robert H. Lurie Children's Hospital of Chicago
Classification: Uncertain significance for T-cell immunodeficiency, congenital alopecia, and nail dystrophy. Last evaluated: 2017-11-21. Review status: criteria provided, single submitter. Criteria: ACMG Guidelines, 2015. Collection method: clinical testing. Allele origin: germline. Not counted in ClinVar's aggregate classification.
Comment: FOXN1 NM_003593.2 exon 7 p.Leu529fs (c.1585delC): This variant has not been reported in the literature and is not present in the Genome Aggregation Database. Evolutionary conservation and computational predictive tools for this variant are limited or unavailable. This variant creates a premature stop codon 21 amino acids downstream from this location which results in an absent or abnormal protein. Loss of function variants have been reported in association with disease for this gene, but there is insufficient data to established this as a disease mechanism. In addition, this variant occurs within the second to last exon of this gene and as a result, may escape nonsense mediated decay. Therefore, it is unclear what impact this variant may have on the protein. In summary, data on this variant is highly suspicious for disease, but requires further evidence for pathogenicity. Therefore, the clinical significance of this variant is uncertain.

Center for Genomics, Ann and Robert H. Lurie Children's Hospital of Chicago
Classification: Uncertain significance for T-cell lymphopenia, infantile, with or without nail dystrophy, autosomal dominant; T-cell immunodeficiency, congenital alopecia, and nail dystrophy. Review status: criteria provided, single submitter. Criteria: ACMG Guidelines, 2015. Collection method: clinical testing. Allele origin: germline. Not counted in ClinVar's aggregate classification.
Comment: FOXN1 NM_003593 exon 7 p.Leu529fs (c.1585delC): This variant has not been reported in the literature and is not present in the Genome Aggregation Database. Evolutionary conservation and computational predictive tools for this variant are limited or unavailable. This variant creates a premature stop codon 21 amino acids downstream from this location which results in an absent or abnormal protein. Loss of function variants have been reported in association with disease for this gene, but there is insufficient data to established this as a disease mechanism. In addition, this variant occurs within the second to last exon of this gene and as a result, may escape nonsense mediated decay. Therefore, it is unclear what impact this variant may have on the protein. In summary, data on this variant is highly suspicious for disease, but requires further evidence for pathogenicity. Therefore, the clinical significance of this variant is uncertain

Literature cited by the submitters: PubMed 31447097 (cited by Labcorp Genetics (formerly Invitae), Labcorp); PubMed 37419334 (cited by Labcorp Genetics (formerly Invitae), Labcorp).